The following is an entry in ClinVar:

ClinVar aggregate classification (germline): Uncertain significance. Review status: criteria provided, multiple submitters, no conflicts (2 of 4 stars). 2 submissions from 2 submitters: Uncertain significance (2). Last evaluated 2025-02-23.

Allele frequency attached by ClinVar (database versions not stated): gnomAD exomes below 0.00001; ExAC 0.00001; gnomAD 0.00001; TOPMed 0.00003.
gnomAD v4.1: 9 of 1,614,042 alleles (0.00056%); highest among the groups gnomAD compares: East Asian, 0.018%; no homozygotes.

Submissions (2):

GeneDx
Classification: Uncertain significance. Last evaluated: 2025-02-23. Review status: criteria provided, single submitter. Criteria: GeneDx Variant Classification Process June 2021. Collection method: clinical testing. Allele origin: germline. Affected: yes.
Comment: In silico analysis indicates that this missense variant does not alter protein structure/function; Has not been previously published as pathogenic or benign to our knowledge

Labcorp Genetics (formerly Invitae), Labcorp
Classification: Uncertain significance. Last evaluated: 2023-09-17. Review status: criteria provided, single submitter. Criteria: Invitae Variant Classification Sherloc (09022015). Collection method: clinical testing. Allele origin: germline.
Comment: This sequence change replaces leucine, which is neutral and non-polar, with isoleucine, which is neutral and non-polar, at codon 183 of the COCH protein (p.Leu183Ile). This variant is present in population databases (rs752834753, gnomAD 0.03%). This variant has not been reported in the literature in individuals affected with COCH-related conditions. Advanced modeling of protein sequence and biophysical properties (such as structural, functional, and spatial information, amino acid conservation, physicochemical variation, residue mobility, and thermodynamic stability) performed at Invitae indicates that this missense variant is not expected to disrupt COCH protein function. In summary, the available evidence is currently insufficient to determine the role of this variant in disease. Therefore, it has been classified as a Variant of Uncertain Significance.

NM_004086.3(COCH):c.547T>A (p.Leu183Ile)

Genes: COCH (cochlin; plus strand), COCH-AS1 (COCH antisense RNA 1; minus strand). Cytogenetic location: 14q12.
Variant type: single nucleotide variant.
Coding change: c.547T>A on transcript NM_004086.3 (MANE Select); coding-DNA position 547, T replaced by A.
Protein change: p.Leu183Ile; replaces leucine 183 with isoleucine.
Molecular consequence: missense variant.
Genome position (GRCh38, 1-based): chr14:30,880,652, T>A. VCF-style: chr14-30880652-T-A. GRCh37 (hg19) VCF-style: chr14-31349858-T-A.
Other names: c.547T>A, p.Leu183Ile (NM_001135058.2); c.742T>A, p.Leu248Ile (NM_001347720.2); c.547T>A (NM_004086.2); short protein forms L248I, L183I.
Identifiers: ClinVar variation 2955390 (VCV002955390.4), dbSNP rs752834753, ClinGen allele CA7143085.